The following is an entry in ClinVar:

ClinVar aggregate classification (germline): Uncertain significance (1 of 4 stars; one submission).

gnomAD v4.1: 4 of 1,517,944 alleles (0.00026%); highest among the groups gnomAD compares: East Asian, 0.0047%; no homozygotes.

Submission:

Labcorp Genetics (formerly Invitae), Labcorp
Classification: Uncertain significance. Last evaluated: 2024-07-05. Review status: criteria provided, single submitter. Criteria: Invitae Variant Classification Sherloc (09022015). Collection method: clinical testing. Allele origin: germline.
Comment: This sequence change replaces arginine, which is basic and polar, with cysteine, which is neutral and slightly polar, at codon 26 of the TMEM132E protein (p.Arg26Cys). The frequency data for this variant in the population databases is considered unreliable, as metrics indicate poor data quality at this position in the gnomAD database. This variant has not been reported in the literature in individuals affected with TMEM132E-related conditions. Experimental studies and prediction algorithms are not available or were not evaluated, and the functional significance of this variant is currently unknown. In summary, the available evidence is currently insufficient to determine the role of this variant in disease. Therefore, it has been classified as a Variant of Uncertain Significance.

NM_001304438.2(TMEM132E):c.76C>T (p.Arg26Cys)

Gene: TMEM132E (transmembrane protein 132E; plus strand). Cytogenetic location: 17q12.
Variant type: single nucleotide variant.
Coding change: c.76C>T on transcript NM_001304438.2 (MANE Select); coding-DNA position 76, C replaced by T.
Protein change: p.Arg26Cys; replaces arginine 26 with cysteine.
Molecular consequence: missense variant.
Genome position (GRCh38, 1-based): chr17:34,626,135, C>T. VCF-style: chr17-34626135-C-T. GRCh37 (hg19) VCF-style: chr17-32953154-C-T.
Other names: short protein forms R26C.
Identifiers: ClinVar variation 3622029 (VCV003622029.2).